The following is an entry in ClinVar:

ClinVar aggregate classification (germline): Uncertain significance (1 of 4 stars; one submission).

Conditions:
Neurodevelopmental disorder with hypotonia, seizures, and absent language (NDHSAL). Identifiers: MedGen C4310643, MONDO:0014995, OMIM 617268.

Submission:

Neuberg Centre For Genomic Medicine, NCGM
Classification: Uncertain significance for Neurodevelopmental disorder with hypotonia, seizures, and absent language. Last evaluated: 2023-06-22. Review status: criteria provided, single submitter. Criteria: ACMG Guidelines, 2015. Collection method: clinical testing. Allele origin: germline. Inheritance: Autosomal dominant inheritance. Affected: yes.
Comment: The observed missense c.41G>Ap.Arg14His variant in HECW2 gene has not been reported previously as a pathogenic variant nor as a benign variant, to our knowledge. This variant is reported with the allele frequency of 0.000004% in the gnomAD Exomes. The amino acid Arg at position 14 is changed to a His changing protein sequence and it might alter its composition and physico-chemical properties. The amino acid change p.Arg14His in HECW2 is predicted as conserved by GERP++ and PhyloP across 100 vertebrates. Multiple lines of computational evidence Polyphen - Damaging, SIFT - Damaging, and MutationTaster - Disease causing predict a damaging effect on protein structure and function for this variant. For these reasons, this variant has been classified as Uncertain Significance.

NM_001348768.2(HECW2):c.41G>A (p.Arg14His)

Gene: HECW2 (HECT, C2 and WW domain containing E3 ubiquitin protein ligase 2; minus strand). Cytogenetic location: 2q32.3.
Variant type: single nucleotide variant.
Coding change: c.41G>A on transcript NM_001348768.2 (MANE Select); coding-DNA position 41, G replaced by A.
Protein change: p.Arg14His; replaces arginine 14 with histidine.
Molecular consequence: missense variant.
Genome position (GRCh38, 1-based): chr2:196,433,383, C>T on the plus strand (G>A on the coding strand, the complement: HECW2 is on the minus strand). VCF-style: chr2-196433383-C-T. GRCh37 (hg19) VCF-style: chr2-197298107-C-T.
Other names: c.41G>A, p.Arg14His (NM_020760.4); short protein forms R14H.
Identifiers: ClinVar variation 3391316 (VCV003391316.1).